The following is an entry in ClinVar:

ClinVar aggregate classification (germline): Uncertain significance (1 of 4 stars; one submission).

Allele frequency attached by ClinVar (database versions not stated): gnomAD exomes 0.00001; TOPMed 0.00001.

Submission:

GeneDx
Classification: Uncertain significance. Last evaluated: 2017-06-06. Review status: criteria provided, single submitter. Criteria: GeneDx Variant Classification (06012015). Collection method: clinical testing. Allele origin: germline. Affected: yes.
Comment: The R211Q variant in the CHRNB2 gene has not been reported previously as a pathogenic variant, nor as a benign variant, to our knowledge. The R211Q variant is not observed in large population cohorts (Lek et al., 2016; 1000 Genomes Consortium et al., 2015; Exome Variant Server). The R211Q variant is a semi-conservative amino acid substitution, which may impact secondary protein structure as these residues differ in some properties. This substitution occurs at a position where amino acids with similar properties to Arginine are tolerated across species. In silico analysis is inconsistent in its predictions as to whether or not the variant is damaging to the protein structure/function. We interpret R211Q as a variant of uncertain significance.

NM_000748.3(CHRNB2):c.632G>A (p.Arg211Gln)

Gene: CHRNB2 (cholinergic receptor nicotinic beta 2 subunit; plus strand). Cytogenetic location: 1q21.3.
Variant type: single nucleotide variant.
Coding change: c.632G>A on transcript NM_000748.3 (MANE Select); coding-DNA position 632, G replaced by A.
Protein change: p.Arg211Gln; replaces arginine 211 with glutamine.
Molecular consequence: missense variant.
Genome position (GRCh38, 1-based): chr1:154,571,455, G>A. VCF-style: chr1-154571455-G-A. GRCh37 (hg19) VCF-style: chr1-154543931-G-A.
Other names: short protein forms R211Q.
Identifiers: ClinVar variation 432332 (VCV000432332.2), dbSNP rs1286054801, ClinGen allele CA342630509.